The following is an entry in ClinVar:

NM_000186.4(CFH):c.3313T>G (p.Ser1105Ala)

Gene: CFH (complement factor H; plus strand). Cytogenetic location: 1q31.3.
Variant type: single nucleotide variant.
Coding change: c.3313T>G on transcript NM_000186.4 (MANE Select); coding-DNA position 3313, T replaced by G.
Protein change: p.Ser1105Ala; replaces serine 1105 with alanine.
Molecular consequence: missense variant.
Genome position (GRCh38, 1-based): chr1:196,745,819, T>G. VCF-style: chr1-196745819-T-G. GRCh37 (hg19) VCF-style: chr1-196714949-T-G.
Other names: short protein forms S1105A.
Identifiers: ClinVar variation 3613737 (VCV003613737.2).

ClinVar aggregate classification (germline): Uncertain significance (1 of 4 stars; one submission).

Submission:

Labcorp Genetics (formerly Invitae), Labcorp
Classification: Uncertain significance. Last evaluated: 2024-12-13. Review status: criteria provided, single submitter. Criteria: Invitae Variant Classification Sherloc (09022015). Collection method: clinical testing. Allele origin: germline.
Comment: This sequence change replaces serine, which is neutral and polar, with alanine, which is neutral and non-polar, at codon 1105 of the CFH protein (p.Ser1105Ala). This variant is not present in population databases (gnomAD no frequency). This variant has not been reported in the literature in individuals affected with CFH-related conditions. An algorithm developed to predict the effect of missense changes on protein structure and function outputs the following: PolyPhen-2: "Benign". The alanine amino acid residue is found in multiple mammalian species, which suggests that this missense change does not adversely affect protein function. In summary, the available evidence is currently insufficient to determine the role of this variant in disease. Therefore, it has been classified as a Variant of Uncertain Significance.